The following is an entry in ClinVar:

ClinVar aggregate classification (germline): Uncertain significance. Review status: criteria provided, multiple submitters, no conflicts (2 of 4 stars). 2 submissions from 2 submitters: Uncertain significance (2). Last evaluated 2024-11-20.

Conditions:
Vici syndrome (VICIS). Identifiers: Orphanet 1493, MedGen C1855772, MONDO:0009452, OMIM 242840.

Allele frequency attached by ClinVar (database versions not stated): TOPMed below 0.00001.
gnomAD v4.1: 11 of 1,614,036 alleles (0.00068%); highest among the groups gnomAD compares: African/African-American, 0.0013%; no homozygotes.

Submissions (2):

GeneDx
Classification: Uncertain significance. Last evaluated: 2024-11-20. Review status: criteria provided, single submitter. Criteria: GeneDx Variant Classification Process June 2021. Collection method: clinical testing. Allele origin: germline.
Comment: Not observed at significant frequency in large population cohorts (gnomAD); In silico analysis supports that this missense variant has a deleterious effect on protein structure/function; In silico analysis suggests this variant may impact gene splicing. In the absence of RNA/functional studies, the actual effect of this sequence change is unknown.; Has not been previously published as pathogenic or benign to our knowledge

Labcorp Genetics (formerly Invitae), Labcorp
Classification: Uncertain significance for Vici syndrome. Last evaluated: 2023-08-11. Review status: criteria provided, single submitter. Criteria: Invitae Variant Classification Sherloc (09022015). Collection method: clinical testing. Allele origin: germline.
Comment: Algorithms developed to predict the effect of sequence changes on RNA splicing suggest that this variant may create or strengthen a splice site. This sequence change replaces arginine, which is basic and polar, with cysteine, which is neutral and slightly polar, at codon 1785 of the EPG5 protein (p.Arg1785Cys). This variant is present in population databases (rs778882158, gnomAD 0.0009%). This variant has not been reported in the literature in individuals affected with EPG5-related conditions. Advanced modeling of protein sequence and biophysical properties (such as structural, functional, and spatial information, amino acid conservation, physicochemical variation, residue mobility, and thermodynamic stability) performed at Invitae indicates that this missense variant is expected to disrupt EPG5 protein function. In summary, the available evidence is currently insufficient to determine the role of this variant in disease. Therefore, it has been classified as a Variant of Uncertain Significance.

NM_020964.3(EPG5):c.5353C>T (p.Arg1785Cys)

Gene: EPG5 (ectopic P-granules 5 autophagy tethering factor; minus strand). Cytogenetic location: 18q12.3.
Variant type: single nucleotide variant.
Coding change: c.5353C>T on transcript NM_020964.3 (MANE Select); coding-DNA position 5353, C replaced by T.
Protein change: p.Arg1785Cys; replaces arginine 1785 with cysteine.
Molecular consequence: missense variant.
Genome position (GRCh38, 1-based): chr18:45,882,439, G>A on the plus strand (C>T on the coding strand, the complement: EPG5 is on the minus strand). VCF-style: chr18-45882439-G-A. GRCh37 (hg19) VCF-style: chr18-43462404-G-A.
Other names: c.5353C>T (NM_020964.2); c.5353C>T, p.Arg1785Cys (NM_001410858.1, NM_001410859.1); short protein forms R1785C.
Identifiers: ClinVar variation 2880609 (VCV002880609.5), dbSNP rs778882158, ClinGen allele CA8948601.